The following is an entry in ClinVar:

NM_004380.3(CREBBP):c.6857A>G (p.Asn2286Ser)

Gene: CREBBP (CREB binding protein; minus strand). Cytogenetic location: 16p13.3.
Variant type: single nucleotide variant.
Coding change: c.6857A>G on transcript NM_004380.3 (MANE Select); coding-DNA position 6857, A replaced by G.
Protein change: p.Asn2286Ser; replaces asparagine 2286 with serine.
Molecular consequence: missense variant.
Genome position (GRCh38, 1-based): chr16:3,728,190, T>C on the plus strand (A>G on the coding strand, the complement: CREBBP is on the minus strand). VCF-style: chr16-3728190-T-C. GRCh37 (hg19) VCF-style: chr16-3778191-T-C.
Other names: c.6743A>G, p.Asn2248Ser (NM_001079846.1); short protein forms N2248S, N2286S.
Identifiers: ClinVar variation 2428987 (VCV002428987.3), dbSNP rs1487084706, ClinGen allele CA394551517.

ClinVar aggregate classification (germline): Uncertain significance (1 of 4 stars; one submission).

Allele frequency attached by ClinVar (database versions not stated): gnomAD exomes below 0.00001; TOPMed 0.00001.
gnomAD v4.1: 2 of 1,614,004 alleles (0.00012%); highest among the groups gnomAD compares: East Asian, 0.0022%; no homozygotes.

Submission:

GeneDx
Classification: Uncertain significance. Last evaluated: 2022-07-31. Review status: criteria provided, single submitter. Criteria: GeneDx Variant Classification Process June 2021. Collection method: clinical testing. Allele origin: germline. Affected: yes.
Comment: Not observed at significant frequency in large population cohorts (gnomAD); In silico analysis supports that this missense variant does not alter protein structure/function; Has not been previously published as pathogenic or benign to our knowledge